The following is an entry in ClinVar:

ClinVar aggregate classification (germline): Uncertain significance. Review status: criteria provided, multiple submitters, no conflicts (2 of 4 stars). 2 submissions from 2 submitters: Uncertain significance (2). Last evaluated 2025-01-16.

Conditions:
KIDINS220-related disorder. Also called: KIDINS220-related condition.
Obesity. Also called: Obesity disorder. Identifiers: Orphanet 71529, MedGen C0028754, MeSH D009765, MONDO:0011122, HP:0001513.

gnomAD v4.1: 5 of 1,614,148 alleles (0.00031%); highest among the groups gnomAD compares: Non-Finnish European, 0.00042%; no homozygotes.

Submissions (2):

PreventionGenetics, part of Exact Sciences
Classification: Uncertain significance for KIDINS220-related condition. Last evaluated: 2025-01-16. Review status: criteria provided, single submitter. Criteria: ACMG Guidelines, 2015. Collection method: clinical testing. Allele origin: germline.
Comment: The KIDINS220 c.2578G>A variant is predicted to result in the amino acid substitution p.Ala860Thr. To our knowledge, this variant has not been reported in the literature or in a large population database (gnomAD), indicating this variant is rare. At this time, the clinical significance of this variant is uncertain due to the absence of conclusive functional and genetic evidence.

Cambridge Genomics Laboratory, East Genomic Laboratory Hub, NHS Genomic Medicine Service
Classification: Uncertain significance for Obesity. Last evaluated: 2020-02-11. Review status: criteria provided, single submitter. Criteria: ACGS Best Practice Guidelines for Variant Classification in Rare Disease 2020. Collection method: clinical testing. Allele origin: germline. Affected: yes. Observed: 1 variant allele.

NM_020738.4(KIDINS220):c.2578G>A (p.Ala860Thr)

Gene: KIDINS220 (kinase D interacting substrate 220; minus strand). Cytogenetic location: 2p25.1.
Variant type: single nucleotide variant.
Coding change: c.2578G>A on transcript NM_020738.4 (MANE Select); coding-DNA position 2578, G replaced by A.
Protein change: p.Ala860Thr; replaces alanine 860 with threonine.
Molecular consequence: missense variant. On other transcripts: non-coding transcript variant (2).
Genome position (GRCh38, 1-based): chr2:8,778,932, C>T on the plus strand (G>A on the coding strand, the complement: KIDINS220 is on the minus strand). VCF-style: chr2-8778932-C-T. GRCh37 (hg19) VCF-style: chr2-8919062-C-T.
Other names: c.2578G>A (NM_020738.2); c.2578G>A, p.Ala860Thr (NM_001348742.2, NM_001348743.2, NM_001348732.2 and 3 more transcripts); c.2581G>A, p.Ala861Thr (NM_001348745.2, NM_001348729.2, NM_001348731.2 and 3 more transcripts); c.2452G>A, p.Ala818Thr (NM_001348736.2); short protein forms A818T, A860T, A861T.
Identifiers: ClinVar variation 4075010 (VCV004075010.2).